The following is an entry in ClinVar:

NM_001242896.3(DEPDC5):c.2501_2512del (p.Pro834_Ser837del)

Gene: DEPDC5 (DEP domain containing 5, GATOR1 subcomplex subunit; plus strand). Cytogenetic location: 22q12.3.
Variant type: Deletion.
Coding change: c.2501_2512del on transcript NM_001242896.3 (MANE Select); coding-DNA positions 2501 to 2512, 12 bases deleted (CACTCTATAGCC).
Protein change: p.Pro834_Ser837del.
Molecular consequence: inframe deletion. On other transcripts: non-coding transcript variant (5).
Genome position (GRCh38, 1-based): chr22:31,838,831-31,838,842, CACTCTATAGCC deleted; deleting any 12 consecutive bases within chr22:31,838,826-31,838,842 gives the same sequence; the c. name uses the placement nearest the transcript's 3' end. VCF-style (leftmost placement, unchanged base first): chr22-31838825-GTAGCCCACTCTA-G. GRCh37 (hg19) VCF-style: chr22-32234811-GTAGCCCACTCTA-G.
Other names: c.2474_2485del, p.Pro825_Ser828del (NM_001136029.4, NM_001369903.1, NM_014662.6); c.2267_2278del, p.Pro756_Ser759del (NM_001242897.2, NM_001363854.2, NM_001364319.2); c.2501_2512del, p.Pro834_Ser837del (NM_001363852.2, NM_001364318.2, NM_001364320.2); c.2417_2428del, p.Pro806_Ser809del (NM_001369901.1, NM_001369902.1).
Identifiers: ClinVar variation 3253262 (VCV003253262.1), dbSNP rs2519948160.

ClinVar aggregate classification (germline): Uncertain significance (1 of 4 stars; one submission).

Submission:

GeneDx
Classification: Uncertain significance. Last evaluated: 2024-04-23. Review status: criteria provided, single submitter. Criteria: GeneDx Variant Classification Process June 2021. Collection method: clinical testing. Allele origin: germline. Affected: yes.
Comment: Not observed at significant frequency in large population cohorts (gnomAD); In-frame deletion of 4 amino acids in a non-repeat region; In silico analysis supports a deleterious effect on protein structure/function; Has not been previously published as pathogenic or benign to our knowledge